The following is an entry in ClinVar:

NM_004204.5(PIGQ):c.1388C>T (p.Thr463Ile)

Gene: PIGQ (phosphatidylinositol glycan anchor biosynthesis class Q; plus strand). Cytogenetic location: 16p13.3.
Variant type: single nucleotide variant.
Coding change: c.1388C>T on transcript NM_004204.5 (MANE Select); coding-DNA position 1388, C replaced by T.
Protein change: p.Thr463Ile; replaces threonine 463 with isoleucine.
Molecular consequence: missense variant.
Genome position (GRCh38, 1-based): chr16:580,235, C>T. VCF-style: chr16-580235-C-T. GRCh37 (hg19) VCF-style: chr16-630235-C-T.
Other names: c.1388C>T, p.Thr463Ile (NM_148920.4); short protein forms T463I.
Identifiers: ClinVar variation 2118479 (VCV002118479.2), dbSNP rs2505939000, ClinGen allele CA394058837.

ClinVar aggregate classification (germline): Uncertain significance (1 of 4 stars; one submission).

Conditions:
Epilepsy. Also called: Seizure disorder. Identifiers: MedGen C0014544, MeSH D004827, MONDO:0005027.

Submission:

Labcorp Genetics (formerly Invitae), Labcorp
Classification: Uncertain significance for Epilepsy. Last evaluated: 2023-11-27. Review status: criteria provided, single submitter. Criteria: Invitae Variant Classification Sherloc (09022015). Collection method: clinical testing. Allele origin: germline.
Comment: This sequence change replaces threonine, which is neutral and polar, with isoleucine, which is neutral and non-polar, at codon 463 of the PIGQ protein (p.Thr463Ile). This variant is not present in population databases (gnomAD no frequency). This variant has not been reported in the literature in individuals affected with PIGQ-related conditions. ClinVar contains an entry for this variant (Variation ID: 2118479). Algorithms developed to predict the effect of missense changes on protein structure and function output the following: SIFT: "Not Available"; PolyPhen-2: "Benign"; Align-GVGD: "Not Available". The isoleucine amino acid residue is found in multiple mammalian species, which suggests that this missense change does not adversely affect protein function. In summary, the available evidence is currently insufficient to determine the role of this variant in disease. Therefore, it has been classified as a Variant of Uncertain Significance.